The following is an entry in ClinVar:

NM_002850.4(PTPRS):c.5779-10G>T

Gene: PTPRS (protein tyrosine phosphatase receptor type S; minus strand). Cytogenetic location: 19p13.3.
Variant type: single nucleotide variant.
Coding change: c.5779-10G>T on transcript NM_002850.4 (MANE Select); 10 bases into the intron before coding-DNA position 5779, G replaced by T.
Molecular consequence: intron variant.
Genome position (GRCh38, 1-based): chr19:5,206,852, C>A on the plus strand (G>T on the coding strand, the complement: PTPRS is on the minus strand). VCF-style: chr19-5206852-C-A. GRCh37 (hg19) VCF-style: chr19-5206863-C-A.
Other names: c.4438-10G>T (NM_130853.3); c.5653-10G>T (NM_001394013.1); c.5665-10G>T (NM_130854.3); c.5713-10G>T (NM_001394011.1); c.5692-10G>T (NM_001394012.1); c.4450-10G>T (NM_130855.3).
Identifiers: ClinVar variation 3039921 (VCV003039921.2), dbSNP rs186731512, ClinGen allele CA9108611.

ClinVar aggregate classification (germline): Likely benign (0 of 4 stars; one submission).

Conditions:
PTPRS-related disorder. Also called: PTPRS-related condition.

Allele frequency attached by ClinVar (database versions not stated): ExAC 0.00032; 1000 Genomes Project 30x 0.00047; 1000 Genomes Project 0.00060; gnomAD 0.00084; TOPMed 0.00102; ESP Exome Variant Server 0.00123.
gnomAD v4.1: 244 of 1,613,816 alleles (0.015%); highest among the groups gnomAD compares: African/African-American, 0.29%; 1 homozygote.

Submission:

PreventionGenetics, part of Exact Sciences
Classification: Likely benign for PTPRS-related condition. Last evaluated: 2023-12-26. Review status: no assertion criteria provided. Collection method: clinical testing. Allele origin: germline.
Comment: This variant is classified as likely benign based on ACMG/AMP sequence variant interpretation guidelines (Richards et al. 2015 PMID: 25741868, with internal and published modifications).